The following is an entry in ClinVar:

NM_007294.4(BRCA1):c.302-10T>A

Gene: BRCA1 (BRCA1 DNA repair associated; minus strand). Cytogenetic location: 17q21.31.
Variant type: single nucleotide variant.
Coding change: c.302-10T>A on transcript NM_007294.4 (MANE Select); 10 bases into the intron before coding-DNA position 302, T replaced by A.
Molecular consequence: intron variant.
Genome position (GRCh38, 1-based): chr17:43,104,271, A>T on the plus strand (T>A on the coding strand, the complement: BRCA1 is on the minus strand). VCF-style: chr17-43104271-A-T. GRCh37 (hg19) VCF-style: chr17-41256288-A-T.
Other names: c.92-10T>A (NM_001408489.1, NM_001408479.1, NM_001407910.1 and 58 more transcripts); c.293-10T>A (NM_001407646.1, NM_001408408.1, NM_001407647.1); c.302-10T>A (NM_001408445.1, NM_001408432.1, NM_001407689.1 and 164 more transcripts); c.-80-10T>A (NM_001407965.1, NM_001407959.1, NM_001407962.1 and 4 more transcripts); c.161-10T>A (NM_001407930.1, NM_001407843.1, NM_001408456.1 and 99 more transcripts); c.224-10T>A (NM_001407874.1, NM_001408416.1, NM_001408414.1 and 21 more transcripts); c.-218-9411T>A (NM_001407967.1, NM_001407966.1); c.170-10T>A (NM_001408451.1).
Identifiers: ClinVar variation 462598 (VCV000462598.11), dbSNP rs747733248, ClinGen allele CA055614.
Genomic context (GRCh38, chr17:43,104,271, plus strand): 5'-GATGTTCAGGAGAGTTATTTTCCTTTTTTGCAAAATTATAGCTGTTTGCATCTGTAAAAT[A>T]CAAGGGAAAACATTATGTTTGCAGTTAGAGAAAAATGTATGAATTATAATCAAAGAAACC-3'

ClinVar aggregate classification (germline): Likely benign. Review status: criteria provided, multiple submitters, no conflicts (2 of 4 stars). 3 submissions from 3 submitters: Likely benign (3). Last evaluated 2024-12-12.

Conditions:
Hereditary cancer-predisposing syndrome. Also called: Neoplastic Syndromes, Hereditary; Hereditary neoplastic syndrome; Tumor predisposition; Hereditary Cancer Syndrome. Identifiers: Orphanet 140162, MedGen C0027672, MeSH D009386, MONDO:0015356.
Hereditary breast ovarian cancer syndrome. Also called: Hereditary breast and ovarian cancer syndrome (HBOC); BRCA1- and BRCA2-Associated Hereditary Breast and Ovarian Cancer; Hereditary breast and/or ovarian cancer syndrome; Hereditary breast and ovarian cancer syndrome; Hereditary breast and ovarian cancer; Breast and ovarian cancer. Identifiers: Orphanet 145, MedGen C0677776, MeSH D061325, MONDO:0003582. Disease mechanism: loss of function.
Breast-ovarian cancer, familial, susceptibility to, 1 (BROVCA1). Also called: BRCA1 Hereditary Breast and Ovarian Cancer; OVARIAN CANCER, SUSCEPTIBILITY TO. Identifiers: Orphanet 145, MedGen C2676676, MONDO:0011450, OMIM 604370. Disease mechanism: loss of function.

Allele frequency attached by ClinVar (database versions not stated): gnomAD below 0.00001 and 0.00001; ExAC 0.00002.
gnomAD v4.1: 19 of 1,607,654 alleles (0.0012%); highest among the groups gnomAD compares: South Asian, 0.02%; no homozygotes.

Submissions (3):

Labcorp Genetics (formerly Invitae), Labcorp
Classification: Likely benign for Hereditary breast ovarian cancer syndrome. Last evaluated: 2024-12-12. Review status: criteria provided, single submitter. Criteria: Invitae Variant Classification Sherloc (09022015). Collection method: clinical testing. Allele origin: germline.

All of Us Research Program, National Institutes of Health
Classification: Likely benign for Breast-ovarian cancer, familial, susceptibility to, 1. Last evaluated: 2023-08-08. Review status: criteria provided, single submitter. Criteria: ACMG Guidelines, 2015. Collection method: clinical testing. Allele origin: germline. Inheritance: Autosomal dominant inheritance. Observed: 1 variant allele, 1 heterozygote.
Comment: This study involves interpretation of variants in research participants for the purpose of population health screening. Participant phenotype was not available at the time of variant classification. Additional details can be found in publication PMID: 35346344, PMCID: PMC8962531

Color Diagnostics, LLC DBA Color Health
Classification: Likely benign for Hereditary cancer-predisposing syndrome. Last evaluated: 2017-06-19. Review status: criteria provided, single submitter. Criteria: ACMG Guidelines, 2015. Collection method: clinical testing. Allele origin: germline.